The following is an entry in ClinVar:

ClinVar aggregate classification (germline): Pathogenic. Review status: criteria provided, multiple submitters, no conflicts (2 of 4 stars). 2 submissions from 2 submitters: Pathogenic (2). Last evaluated 2020-02-02.

Conditions:
Early-infantile DEE. Also called: Ohtahara syndrome; Early infantile epileptic encephalopathy with suppression bursts; Early infantile epileptic encephalopathy. Identifiers: Orphanet 1934, MedGen C0393706, MONDO:0800491.

Submissions (2):

Labcorp Genetics (formerly Invitae), Labcorp
Classification: Pathogenic for Early-infantile DEE. Last evaluated: 2020-02-02. Review status: criteria provided, single submitter. Criteria: Invitae Variant Classification Sherloc (09022015). Collection method: clinical testing. Allele origin: germline.
Comment: This sequence change affects a donor splice site in intron 8 of the KCNQ2 gene. It is expected to disrupt RNA splicing and likely results in an absent or disrupted protein product. This variant is not present in population databases (ExAC no frequency). Disruption of this splice site has been observed in individual(s) with KCNQ2-related conditions (PMID: 15596769, Invitae). Algorithms developed to predict the effect of sequence changes on RNA splicing suggest that this variant may disrupt the consensus splice site, but this prediction has not been confirmed by published transcriptional studies. Donor and acceptor splice site variants typically lead to a loss of protein function (PMID: 16199547), and loss-of-function variants in KCNQ2 are known to be pathogenic (PMID: 14534157, 23692823, 27779742). For these reasons, this variant has been classified as Pathogenic.

GeneDx
Classification: Pathogenic. Last evaluated: 2019-06-03. Review status: criteria provided, single submitter. Criteria: GeneDx Variant Classification Process June 2021. Collection method: clinical testing. Allele origin: germline. Affected: yes.
Comment: Canonical splice site variant in a gene for which loss-of-function is a known mechanism of disease; Has not been previously published as pathogenic or benign to our knowledge

Literature cited by the submitters: PubMed 15596769 (cited by Labcorp Genetics (formerly Invitae), Labcorp); PubMed 16199547 (cited by Labcorp Genetics (formerly Invitae), Labcorp); PubMed 14534157 (cited by Labcorp Genetics (formerly Invitae), Labcorp); PubMed 23692823 (cited by Labcorp Genetics (formerly Invitae), Labcorp); PubMed 27779742 (cited by Labcorp Genetics (formerly Invitae), Labcorp).

NM_172107.4(KCNQ2):c.1118+2T>G

Gene: KCNQ2 (potassium voltage-gated channel subfamily Q member 2; minus strand). Cytogenetic location: 20q13.33.
Variant type: single nucleotide variant.
Coding change: c.1118+2T>G on transcript NM_172107.4 (MANE Select); the canonical splice donor site of the intron after coding-DNA position 1118, T replaced by G.
Molecular consequence: splice donor variant. On other transcripts: missense variant (1).
Genome position (GRCh38, 1-based): chr20:63,433,807, A>C on the plus strand (T>G on the coding strand, the complement: KCNQ2 is on the minus strand). VCF-style: chr20-63433807-A-C. GRCh37 (hg19) VCF-style: chr20-62065160-A-C.
Other names: c.1120T>G, p.Tyr374Asp (NM_172109.3); c.1118+2T>G (NM_004518.6, NM_172108.5, NM_172106.3 and 1 more transcripts); short protein forms Y374D.
Identifiers: ClinVar variation 1073519 (VCV001073519.13), dbSNP rs886042605, ClinGen allele CA409651033.
Genomic context (GRCh38, chr20:63,433,807, plus strand): 5'-AAGAACAAATGGAAAATAAAAAATGAAACAGTTGCTTGGTGGCAGGTGCCCGGCGGCGGT[A>C]CCTGTACATGGGCACGGTGACCGTTCGCTCGTAGTACTGCCACGTGGAGTGCAGGTCTGT-3'